The following is an entry in ClinVar:

ClinVar aggregate classification (germline): Uncertain significance (1 of 4 stars; one submission).

Submission:

Labcorp Genetics (formerly Invitae), Labcorp
Classification: Uncertain significance. Last evaluated: 2024-11-13. Review status: criteria provided, single submitter. Criteria: Invitae Variant Classification Sherloc (09022015). Collection method: clinical testing. Allele origin: germline.
Comment: This sequence change creates a premature translational stop signal (p.Gln117*) in the CDC6 gene. It is expected to result in an absent or disrupted protein product. However, the current clinical and genetic evidence is not sufficient to establish whether loss-of-function variants in CDC6 cause disease. This variant is not present in population databases (gnomAD no frequency). This variant has not been reported in the literature in individuals affected with CDC6-related conditions. In summary, the available evidence is currently insufficient to determine the role of this variant in disease. Therefore, it has been classified as a Variant of Uncertain Significance.

NM_001254.4(CDC6):c.349C>T (p.Gln117Ter)

Gene: CDC6 (cell division cycle 6; plus strand). Cytogenetic location: 17q21.2.
Variant type: single nucleotide variant.
Coding change: c.349C>T on transcript NM_001254.4 (MANE Select); coding-DNA position 349, C replaced by T.
Protein change: p.Gln117Ter; replaces glutamine 117 with a stop codon.
Molecular consequence: nonsense.
Genome position (GRCh38, 1-based): chr17:40,291,228, C>T. VCF-style: chr17-40291228-C-T. GRCh37 (hg19) VCF-style: chr17-38447480-C-T.
Other names: short protein forms Q117*.
Identifiers: ClinVar variation 3613086 (VCV003613086.2).